The following is an entry in ClinVar:

NM_013275.6(ANKRD11):c.87+13C>T

Gene: ANKRD11 (ankyrin repeat domain 11; minus strand). Cytogenetic location: 16q24.3.
Variant type: single nucleotide variant.
Coding change: c.87+13C>T on transcript NM_013275.6 (MANE Select); 13 bases into the intron after coding-DNA position 87, C replaced by T.
Molecular consequence: intron variant.
Genome position (GRCh38, 1-based): chr16:89,316,920, G>A on the plus strand (C>T on the coding strand, the complement: ANKRD11 is on the minus strand). VCF-style: chr16-89316920-G-A. GRCh37 (hg19) VCF-style: chr16-89383328-G-A.
Other names: c.87+13C>T (NM_001256183.2, NM_001256182.2).
Identifiers: ClinVar variation 1031775 (VCV001031775.2), dbSNP rs201730053, ClinGen allele CA8243278.

ClinVar aggregate classification (germline): Conflicting classifications of pathogenicity. Review status: criteria provided, conflicting classifications (1 of 4 stars). 2 submissions from 2 submitters: Uncertain significance (1); Likely benign (1). Last evaluated 2025-11-12.

Conditions:
KBG syndrome (KBGS). Also called: ANKRD11-Related KBG Syndrome. Identifiers: Orphanet 2332, MedGen C0220687, MONDO:0007846, OMIM 148050.

Allele frequency attached by ClinVar (database versions not stated): TOPMed 0.00002; 1000 Genomes Project 0.00040; 1000 Genomes Project 30x 0.00047.
gnomAD v4.1: 17 of 1,612,146 alleles (0.0011%); highest among the groups gnomAD compares: Middle Eastern, 0.017%; no homozygotes.

Submissions (2):

Labcorp Genetics (formerly Invitae), Labcorp
Classification: Likely benign for KBG syndrome. Last evaluated: 2025-11-12. Review status: criteria provided, single submitter. Criteria: Invitae Variant Classification Sherloc (09022015). Collection method: clinical testing. Allele origin: germline.

Baylor Genetics
Classification: Uncertain significance for KBG syndrome. Last evaluated: 2018-04-02. Review status: criteria provided, single submitter. Criteria: ACMG Guidelines, 2015. Collection method: clinical testing. Allele origin: maternal. Affected: yes.
Comment: This variant was determined to be of uncertain significance according to ACMG Guidelines, 2015 [PMID:25741868].